The following is an entry in ClinVar:

ClinVar aggregate classification (germline): Uncertain significance. Review status: criteria provided, multiple submitters, no conflicts (2 of 4 stars). 2 submissions from 2 submitters: Uncertain significance (2). Last evaluated 2025-10-21.

Conditions:
Congenital contractural arachnodactyly (CCA). Also called: Beals-Hecht syndrome; Arthrogryposis, distal, type 9; BEALS SYNDROME. Identifiers: Orphanet 115, MedGen C0220668, MONDO:0007363, OMIM 121050.

Allele frequency attached by ClinVar (database versions not stated): gnomAD exomes 0.00001.
gnomAD v4.1: 8 of 1,614,092 alleles (0.0005%); highest among the groups gnomAD compares: Non-Finnish European, 0.00068%; no homozygotes.

Submissions (2):

Labcorp Genetics (formerly Invitae), Labcorp
Classification: Uncertain significance for Congenital contractural arachnodactyly. Last evaluated: 2025-10-21. Review status: criteria provided, single submitter. Criteria: Invitae Variant Classification Sherloc (09022015). Collection method: clinical testing. Allele origin: germline.
Comment: This sequence change replaces leucine, which is neutral and non-polar, with arginine, which is basic and polar, at codon 1845 of the FBN2 protein (p.Leu1845Arg). This variant is not present in population databases (gnomAD no frequency). This variant has not been reported in the literature in individuals affected with FBN2-related conditions. ClinVar contains an entry for this variant (Variation ID: 1004388). Invitae Evidence Modeling of protein sequence and biophysical properties (such as structural, functional, and spatial information, amino acid conservation, physicochemical variation, residue mobility, and thermodynamic stability) has been performed for this missense variant. However, the output from this modeling did not meet the statistical confidence thresholds required to predict the impact of this variant on FBN2 protein function. In summary, the available evidence is currently insufficient to determine the role of this variant in disease. Therefore, it has been classified as a Variant of Uncertain Significance.

AiLife Diagnostics
Classification: Uncertain significance. Last evaluated: 2022-02-08. Review status: criteria provided, single submitter. Criteria: ACMG Guidelines, 2015. Collection method: clinical testing. Allele origin: germline. Affected: yes. Observed: 1 variant allele.

NM_001999.4(FBN2):c.5534T>G (p.Leu1845Arg)

Gene: FBN2 (fibrillin 2; minus strand). Cytogenetic location: 5q23.3.
Variant type: single nucleotide variant.
Coding change: c.5534T>G on transcript NM_001999.4 (MANE Select); coding-DNA position 5534, T replaced by G.
Protein change: p.Leu1845Arg; replaces leucine 1845 with arginine.
Molecular consequence: missense variant.
Genome position (GRCh38, 1-based): chr5:128,305,837, A>C on the plus strand (T>G on the coding strand, the complement: FBN2 is on the minus strand). VCF-style: chr5-128305837-A-C. GRCh37 (hg19) VCF-style: chr5-127641529-A-C.
Other names: short protein forms L1845R.
Identifiers: ClinVar variation 1004388 (VCV001004388.10), dbSNP rs1749856162, ClinGen allele CA360740778.